The following is an entry in ClinVar:

ClinVar aggregate classification (germline): Uncertain significance (1 of 4 stars; one submission).

Conditions:
Cardiomyopathy (CMYO). Also called: Cardiomyopathies. Identifiers: Orphanet 167848, MedGen C0878544, MONDO:0004994, HP:0001638. Inheritance: Various modes of inheritance.

Submission:

Color Diagnostics, LLC DBA Color Health
Classification: Uncertain significance for Cardiomyopathy. Last evaluated: 2025-07-20. Review status: criteria provided, single submitter. Criteria: ACMG Guidelines, 2015. Collection method: clinical testing. Allele origin: germline.
Comment: This missense variant replaces glycine with alanine at codon 499 of the DSP protein. Computational prediction suggests that this variant may not impact protein structure and function. To our knowledge, functional studies have not been reported for this variant. This variant has not been reported in individuals affected with DSP-related disorders in the literature. This variant has not been identified in the general population by the Genome Aggregation Database (gnomAD). The available evidence is insufficient to determine the role of this variant in disease conclusively. Therefore, this variant is classified as a Variant of Uncertain Significance.

NM_004415.4(DSP):c.1496G>C (p.Gly499Ala)

Gene: DSP (desmoplakin; plus strand). Cytogenetic location: 6p24.3.
Variant type: single nucleotide variant.
Coding change: c.1496G>C on transcript NM_004415.4 (MANE Select); coding-DNA position 1496, G replaced by C.
Protein change: p.Gly499Ala; replaces glycine 499 with alanine.
Molecular consequence: missense variant.
Genome position (GRCh38, 1-based): chr6:7,569,262, G>C. VCF-style: chr6-7569262-G-C. GRCh37 (hg19) VCF-style: chr6-7569495-G-C.
Other names: c.1496G>C, p.Gly499Ala (NM_001008844.3, NM_001319034.2); short protein forms G499A.
Identifiers: ClinVar variation 4759035 (VCV004759035.1).